The following is an entry in ClinVar:

NM_006231.4(POLE):c.2706+19G>A

Gene: POLE (DNA polymerase epsilon, catalytic subunit; minus strand). Cytogenetic location: 12q24.33.
Variant type: single nucleotide variant.
Coding change: c.2706+19G>A on transcript NM_006231.4 (MANE Select); 19 bases into the intron after coding-DNA position 2706, G replaced by A.
Molecular consequence: intron variant.
Genome position (GRCh38, 1-based): chr12:132,663,985, C>T on the plus strand (G>A on the coding strand, the complement: POLE is on the minus strand). VCF-style: chr12-132663985-C-T. GRCh37 (hg19) VCF-style: chr12-133240571-C-T.
Identifiers: ClinVar variation 514336 (VCV000514336.9), dbSNP rs777067793, ClinGen allele CA246318625.

ClinVar aggregate classification (germline): Likely benign. Review status: criteria provided, multiple submitters, no conflicts (2 of 4 stars). 3 submissions from 3 submitters: Likely benign (3). Last evaluated 2024-08-24.

Allele frequency attached by ClinVar (database versions not stated): gnomAD exomes below 0.00001; gnomAD 0.00001; TOPMed 0.00001.
gnomAD v4.1: 3 of 1,613,276 alleles (0.00019%); highest among the groups gnomAD compares: Non-Finnish European, 0.00025%; no homozygotes.

Submissions (3):

Labcorp Genetics (formerly Invitae), Labcorp
Classification: Likely benign. Last evaluated: 2024-08-24. Review status: criteria provided, single submitter. Criteria: Invitae Variant Classification Sherloc (09022015). Collection method: clinical testing. Allele origin: germline.

Blueprint Genetics
Classification: Likely benign. Last evaluated: 2020-07-15. Review status: criteria provided, single submitter. Criteria: ACMG Guidelines, 2015. Collection method: clinical testing. Allele origin: germline.

GeneDx
Classification: Likely benign. Last evaluated: 2017-12-19. Review status: criteria provided, single submitter. Criteria: GeneDx Variant Classification (06012015). Collection method: clinical testing. Allele origin: germline. Affected: yes.
Comment: This variant is considered likely benign or benign based on one or more of the following criteria: it is a conservative change, it occurs at a poorly conserved position in the protein, it is predicted to be benign by multiple in silico algorithms, and/or has population frequency not consistent with disease.